The following is an entry in ClinVar:

ClinVar aggregate classification (germline): Pathogenic (3 of 4 stars; one submission).

Conditions:
Autosomal recessive limb-girdle muscular dystrophy. Identifiers: Orphanet 102015, MedGen C2931907, MONDO:0015152.

Submission:

ClinGen Limb Girdle Muscular Dystrophy Variant Curation Expert Panel, ClinGen
Classification: Pathogenic for Autosomal recessive limb-girdle muscular dystrophy. Last evaluated: 2025-12-29. Review status: reviewed by expert panel. Criteria: ClinGen LGMD VCEP ACMG Specifications DYSF V2.0.0. Collection method: curation. Allele origin: germline. Inheritance: Autosomal recessive inheritance.
Comment: The NC_000002.12: g.71567951_71570741del variant (GRCh38) is a deletion that encompasses exons 25-29 of the DYSF gene, NM_003494.4: c.2512_3174del. RNAseq analysis in an individual heterozygous for this variant showed skipping of exons 25-29, leading to an in-frame deletion, p.Tyr838_Arg1058del (PMID: 36983702; PVS1_Moderate_RNA). This variant has been observed in three individuals with Miyoshi myopathy or suspected LGMD, including in trans with a pathogenic variant in one individual (NM_003494.4: c.1053+1G>A, 1.0 pt, PMID: 36983702), in unconfirmed phase with a pathogenic variant in a second individual (NM_003494.4: c.2077delC p.(His693ThrfsTer4), 0.5 pts, PMID: 33610434) and in a homozygous state in the third individual (0.5 pts, PMID: 15469449) (PM3_Strong). At least one patient with this variant and a second presumed diagnostic DYSF variant displayed progressive muscle weakness and absent dysferlin protein expression in skeletal muscle, which is highly specific for DYSF-associated LGMD (PMID: 36983702, 33610434; PP4_Strong). While a deletion with the same reported breakends is not found in gnomAD CNVs v4.1.0, the filtering allele frequency of a similar deletion of DYSF exons 25-29 (288948__DEL) is 0.000032222 (the upper threshold of the 95% CI of 5/326266 European (non-Finnish) chromosomes), which is less than the ClinGen LGMD VCEP threshold (≤0.0001) (PM2_Supporting). In summary, this variant meets the criteria to be classified as Pathogenic for autosomal recessive limb girdle muscular dystrophy based on the ACMG/AMP criteria applied, as specified by the ClinGen LGMD VCEP (LGMD VCEP specifications version 2.0.0; 12/29/2025): PVS1_RNA_Moderate, PM3_Strong, PP4_Strong, PM2_Supporting.

NC_000002.12:g.71567951_71570741del

Gene: DYSF (dysferlin; plus strand). Cytogenetic location: 2p13.2.
Variant type: Deletion.
Genome position: GRCh38: chr2:71,567,951-71,570,741. GRCh37 (hg19): chr2:71,795,081-71,797,871.
Other names: NM_003494.4:c.2512_3174del.
Identifiers: ClinVar variation 4684970 (VCV004684970.1).